The following is an entry in ClinVar:

NM_001005337.3(PKP1):c.*2850C>A

Gene: PKP1 (plakophilin 1; plus strand). Cytogenetic location: 1q32.1.
Variant type: single nucleotide variant.
Coding change: c.*2850C>A on transcript NM_001005337.3 (MANE Select); 2850 bases downstream of the stop codon, C replaced by A.
Molecular consequence: 3 prime UTR variant.
Genome position (GRCh38, 1-based): chr1:201,332,891, C>A. VCF-style: chr1-201332891-C-A. GRCh37 (hg19) VCF-style: chr1-201302019-C-A.
Other names: c.*2850C>A (NM_000299.4).
Identifiers: ClinVar variation 294890 (VCV000294890.5), dbSNP rs535674127, ClinGen allele CA10609424.
Genomic context (GRCh38, chr1:201,332,891, plus strand): 5'-TGAGGGATCTTGGAGCTTCCCTGTAGCCCACCTTCCCCTTGCTTCATGTTTGTAGAGGAA[C>A]CTTGTGCCGGCCAGGCCCAGTTTCCTTGTGTGATACACTAATGTATTTGCTTTTTTTGGA-3'

ClinVar aggregate classification (germline): Benign (1 of 4 stars; one submission).

Conditions:
Epidermolysis bullosa simplex due to plakophilin deficiency. Also called: MCGRATH SYNDROME. Identifiers: Orphanet 158668, MedGen C1858302, MONDO:0011472, OMIM 604536.

Allele frequency attached by ClinVar (database versions not stated): TOPMed 0.00400; gnomAD 0.00416; 1000 Genomes Project 0.00459; 1000 Genomes Project 30x 0.00547.

Submission:

Illumina Laboratory Services, Illumina
Classification: Benign for Epidermolysis bullosa simplex due to plakophilin deficiency. Last evaluated: 2018-01-12. Review status: criteria provided, single submitter. Criteria: ICSL Variant Classification Criteria 13 December 2019. Collection method: clinical testing. Allele origin: germline.
Comment: This variant was observed in the ICSL laboratory as part of a predisposition screen in an ostensibly healthy population. It had not been previously curated by ICSL or reported in the Human Gene Mutation Database (HGMD: prior to June 1st, 2018), and was therefore a candidate for classification through an automated scoring system. Utilizing variant allele frequency, disease prevalence and penetrance estimates, and inheritance mode, an automated score was calculated to assess if this variant is too frequent to cause the disease. Based on the score and internal cut-off values, a variant classified as benign is not then subjected to further curation. The score for this variant resulted in a classification of benign for this disease.